The following is an entry in ClinVar:

NM_020458.4(TTC7A):c.1672dup (p.Ala558fs)

Gene: TTC7A (tetratricopeptide repeat domain 7A; plus strand). Cytogenetic location: 2p21.
Variant type: Duplication.
Coding change: c.1672dup on transcript NM_020458.4 (MANE Select); coding-DNA position 1672, one base duplicated (G; older notation c.1672dupG).
Protein change: p.Ala558fs; shifts the reading frame from alanine 558.
Molecular consequence: frameshift variant.
Genome position (GRCh38, 1-based): chr2:47,029,254, G duplicated; the last of 2 consecutive G bases (chr2:47,029,253-47,029,254); duplicating either gives the same sequence. VCF-style (leftmost placement, unchanged base first): chr2-47029252-A-AG. GRCh37 (hg19) VCF-style: chr2-47256391-A-AG.
Other names: c.1672dup, p.Ala558fs (NM_001288951.2); c.1570dup, p.Ala524fs (NM_001288953.2); c.610dup, p.Ala204fs (NM_001288955.2); short protein forms A204fs, A524fs, A558fs.
Identifiers: ClinVar variation 3383390 (VCV003383390.2).
Genomic context (GRCh38, chr2:47,029,252, plus strand): 5'-GGGAAGGCTAACCTGGCGGGTTCCTTCAACAGATCTCCAGTGCCATGGAGCAGCTGCAGG[A>AG]GGCCCTGAAGGTACGCAAGGATGATGCCCACGCCCTCCACCTGCTGGCACTGCTCTTCTC-3'

ClinVar aggregate classification (germline): Pathogenic (1 of 4 stars; one submission).

Submission:

Centre of Medical Genetics, University Hospital Muenster
Classification: Pathogenic. Last evaluated: 2024-10-01. Review status: criteria provided, single submitter. Criteria: ACMG Guidelines, 2015. Collection method: clinical testing. Allele origin: unknown. Affected: yes. Observed: 1 variant allele, 1 heterozygote.
Comment: ACMG categories: PVS1,PM2,PM3